The following is an entry in ClinVar:

NM_000051.4(ATM):c.4821A>G (p.Pro1607=)

Gene: ATM (ATM serine/threonine kinase; plus strand). Cytogenetic location: 11q22.3.
Variant type: single nucleotide variant.
Coding change: c.4821A>G on transcript NM_000051.4 (MANE Select); coding-DNA position 4821, A replaced by G.
Protein change: p.Pro1607=; no amino-acid change (proline 1607 retained).
Molecular consequence: synonymous variant.
Genome position (GRCh38, 1-based): chr11:108,294,971, A>G. VCF-style: chr11-108294971-A-G. GRCh37 (hg19) VCF-style: chr11-108165698-A-G.
Other names: c.4821A>G, p.Pro1607= (NM_001351834.2); c.4821A>G (NM_000051.2).
Identifiers: ClinVar variation 187216 (VCV000187216.55), dbSNP rs786203559, ClinGen allele CA197038.

ClinVar aggregate classification (germline): Benign/Likely benign. Review status: criteria provided, multiple submitters, no conflicts (2 of 4 stars). 8 submissions from 8 submitters: Benign (1); Likely benign (7). Last evaluated 2025-09-07.

Conditions:
Familial colorectal cancer type X. Identifiers: Orphanet 440437, MedGen C3896578, MONDO:0018604.
Hereditary cancer-predisposing syndrome. Also called: Tumor predisposition; Neoplastic Syndromes, Hereditary; Hereditary Cancer Syndrome; Hereditary neoplastic syndrome. Identifiers: Orphanet 140162, MedGen C0027672, MeSH D009386, MONDO:0015356.
Familial cancer of breast. Also called: hereditary breast carcinoma; BREAST CANCER, FAMILIAL; Hereditary breast cancer. Identifiers: Orphanet 227535, MedGen C0346153, MONDO:0016419, OMIM 114480. Disease mechanism: loss of function.
Ataxia-telangiectasia syndrome (AT). Also called: LOUIS-BAR SYNDROME; Ataxia-telangiectasia, complementation group D; Ataxia telangiectasia (A-T); AT, COMPLEMENTATION GROUP C; ATAXIA-TELANGIECTASIA, COMPLEMENTATION GROUP A; ATAXIA-TELANGIECTASIA, FRESNO VARIANT. Identifiers: Orphanet 100, MedGen C0004135, MONDO:0008840, OMIM 208900.

Allele frequency attached by ClinVar (database versions not stated): gnomAD 0.00001; gnomAD exomes 0.00002; TOPMed below 0.00001.
gnomAD v4.1: 23 of 1,613,804 alleles (0.0014%); highest among the groups gnomAD compares: Non-Finnish European, 0.0019%; no homozygotes.

Submissions (8):

Labcorp Genetics (formerly Invitae), Labcorp
Classification: Likely benign for Ataxia-telangiectasia syndrome. Last evaluated: 2025-09-07. Review status: criteria provided, single submitter. Criteria: Invitae Variant Classification Sherloc (09022015). Collection method: clinical testing. Allele origin: germline.

CeGaT Center for Human Genetics Tuebingen
Classification: Likely benign. Last evaluated: 2025-09-01. Review status: criteria provided, single submitter. Criteria: CeGaT Center For Human Genetics Tuebingen Variant Classification Criteria Version 2. Collection method: clinical testing. Allele origin: germline. Affected: yes. Observed: 2 variant alleles.
Comment: ATM: BP4, BP7

Blueprint Genetics
Classification: Likely benign. Last evaluated: 2024-07-04. Review status: criteria provided, single submitter. Criteria: ACMG Guidelines, 2015. Collection method: clinical testing. Allele origin: germline.

Myriad Genetics, Inc.
Classification: Benign for Familial cancer of breast. Last evaluated: 2024-05-21. Review status: criteria provided, single submitter. Criteria: Myriad Autosomal Dominant, Autosomal Recessive and X-Linked Classification Criteria (2023). Collection method: clinical testing. Allele origin: unknown.
Comment: This variant is considered benign. This variant is a silent/synonymous amino acid change and it is not expected to impact splicing.

Department of Pathology and Laboratory Medicine, Sinai Health System
Classification: Likely benign for Familial colorectal cancer type X. Last evaluated: 2023-01-20. Review status: criteria provided, single submitter. Criteria: ACMG Guidelines, 2015. Collection method: clinical testing. Allele origin: germline. Affected: yes.

GeneDx
Classification: Likely benign. Last evaluated: 2019-03-13. Review status: criteria provided, single submitter. Criteria: GeneDx Variant Classification Process June 2021. Collection method: clinical testing. Allele origin: germline. Affected: yes.
Comment: This variant is associated with the following publications: (PMID: 28779002)

Color Diagnostics, LLC DBA Color Health
Classification: Likely benign for Hereditary cancer-predisposing syndrome. Last evaluated: 2018-01-29. Review status: criteria provided, single submitter. Criteria: ACMG Guidelines, 2015. Collection method: clinical testing. Allele origin: germline.

Ambry Genetics
Classification: Likely benign for Hereditary cancer-predisposing syndrome. Last evaluated: 2014-11-21. Review status: criteria provided, single submitter. Criteria: Ambry Variant Classification Scheme 2023. Collection method: clinical testing. Allele origin: germline.